The following is an entry in ClinVar:

ClinVar aggregate classification (germline): Likely pathogenic (1 of 4 stars; one submission).

Conditions:
Neurofibromatosis, type 1 (NF1). Also called: NEUROFIBROMATOSIS, TYPE I, SOMATIC; Peripheral type neurofibromatosis; Neurofibromatosis, type I; VON RECKLINGHAUSEN DISEASE. Identifiers: Orphanet 636, MedGen C0027831, MONDO:0018975, OMIM 162200. Disease mechanism: loss of function.

Submission:

Regional Center For Medical Genetics Timis, Louis Turcanu Emergency Hospital for Children Timisoara
Classification: Likely pathogenic for Neurofibromatosis, type 1. Review status: criteria provided, single submitter. Criteria: ACMG Guidelines, 2015. Collection method: clinical testing. Allele origin: unknown. Affected: yes.
Comment: The variant is absent from the presumed healthy population (gnomAD). The variant introduces a premature stop codon into the sequence, leading to loss of function as a consequence of the reading frame shift. Loss-of-function variants in NF1 are well established as pathogenic. To the best of our knowledge, this variant has not been previously reported in the literature in individuals with neurofibromatosis type 1. Therefore, the variant was classified as likely pathogenic.

NM_001042492.3(NF1):c.5872_5873del (p.Arg1958fs)

Gene: NF1 (neurofibromin 1; plus strand). Cytogenetic location: 17q11.2.
Variant type: Deletion.
Coding change: c.5872_5873del on transcript NM_001042492.3 (MANE Select); coding-DNA positions 5872 to 5873, 2 bases deleted (CG; older notation c.5872_5873delCG).
Protein change: p.Arg1958fs; shifts the reading frame from arginine 1958.
Molecular consequence: frameshift variant.
Genome position (GRCh38, 1-based): chr17:31,334,897-31,334,898, CG deleted. VCF-style (leftmost placement, unchanged base first): chr17-31334896-TCG-T. GRCh37 (hg19) VCF-style: chr17-29661914-TCG-T.
Other names: c.5809_5810del, p.Arg1937fs (NM_000267.4); short protein forms R1937fs, R1958fs.
Identifiers: ClinVar variation 4857611 (VCV004857611.1).